The following is an entry in ClinVar:

ClinVar aggregate classification (germline): Uncertain significance. Review status: criteria provided, multiple submitters, no conflicts (2 of 4 stars). 3 submissions from 3 submitters: Uncertain significance (3). Last evaluated 2025-05-11.

Conditions:
Upshaw-Schulman syndrome (TTP). Also called: THROMBOTIC THROMBOCYTOPENIC PURPURA, HEREDITARY; Congenital thrombotic thrombocytopenic purpura. Identifiers: Orphanet 93583, MedGen C1268935, MONDO:0010122, OMIM 274150.

Allele frequency attached by ClinVar (database versions not stated): ESP Exome Variant Server 0.00008; gnomAD 0.00009 and 0.00011; TOPMed 0.00013; gnomAD exomes 0.00014; ExAC 0.00016; 1000 Genomes Project 0.00080; 1000 Genomes Project 30x 0.00094.
gnomAD v4.1: 93 of 1,613,742 alleles (0.0058%); highest among the groups gnomAD compares: South Asian, 0.044%; no homozygotes.

Submissions (3):

Mayo Clinic Laboratories, Mayo Clinic
Classification: Uncertain significance. Last evaluated: 2025-05-11. Review status: criteria provided, single submitter. Criteria: ACMG Guidelines, 2015. Collection method: clinical testing. Allele origin: germline. Observed: 1 variant allele.
Comment: BP4_moderate

Labcorp Genetics (formerly Invitae), Labcorp
Classification: Uncertain significance. Last evaluated: 2024-01-10. Review status: criteria provided, single submitter. Criteria: Invitae Variant Classification Sherloc (09022015). Collection method: clinical testing. Allele origin: germline.
Comment: This sequence change replaces threonine, which is neutral and polar, with methionine, which is neutral and non-polar, at codon 1319 of the ADAMTS13 protein (p.Thr1319Met). This variant is present in population databases (rs375824927, gnomAD 0.07%). This variant has not been reported in the literature in individuals affected with ADAMTS13-related conditions. ClinVar contains an entry for this variant (Variation ID: 912816). Algorithms developed to predict the effect of missense changes on protein structure and function output the following: SIFT: "Not Available"; PolyPhen-2: "Benign"; Align-GVGD: "Not Available". The methionine amino acid residue is found in multiple mammalian species, which suggests that this missense change does not adversely affect protein function. In summary, the available evidence is currently insufficient to determine the role of this variant in disease. Therefore, it has been classified as a Variant of Uncertain Significance.

Illumina Laboratory Services, Illumina
Classification: Uncertain significance for Upshaw-Schulman syndrome. Last evaluated: 2018-01-13. Review status: criteria provided, single submitter. Criteria: ICSL Variant Classification Criteria 13 December 2019. Collection method: clinical testing. Allele origin: germline.

NM_139027.6(ADAMTS13):c.3788C>T (p.Thr1263Met)

Gene: ADAMTS13 (ADAM metallopeptidase with thrombospondin type 1 motif 13; plus strand). Cytogenetic location: 9q34.2.
Variant type: single nucleotide variant.
Coding change: c.3788C>T on transcript NM_139027.6 (MANE Select); coding-DNA position 3788, C replaced by T.
Protein change: p.Thr1263Met; replaces threonine 1263 with methionine.
Molecular consequence: missense variant.
Genome position (GRCh38, 1-based): chr9:133,457,973, C>T. VCF-style: chr9-133457973-C-T. GRCh37 (hg19) VCF-style: chr9-136323095-C-T.
Other names: p.Thr1319Met; c.3956C>T, p.Thr1319Met (NM_139025.5); c.3695C>T, p.Thr1232Met (NM_139026.6); short protein forms T1232M, T1263M, T1319M.
Identifiers: ClinVar variation 912816 (VCV000912816.7), dbSNP rs375824927, ClinGen allele CA200946707.